The following is an entry in ClinVar:

NM_000038.6(APC):c.1065C>T (p.Leu355=)

Gene: APC (APC regulator of Wnt signaling pathway; plus strand). Cytogenetic location: 5q22.2.
Variant type: single nucleotide variant.
Coding change: c.1065C>T on transcript NM_000038.6 (MANE Select); coding-DNA position 1065, C replaced by T.
Protein change: p.Leu355=; no amino-acid change (leucine 355 retained).
Molecular consequence: synonymous variant. On other transcripts: non-coding transcript variant (2), intron variant (15).
Genome position (GRCh38, 1-based): chr5:112,819,097, C>T. VCF-style: chr5-112819097-C-T. GRCh37 (hg19) VCF-style: chr5-112154794-C-T.
Other names: c.1065C>T, p.Leu355= (NM_001127510.3, NM_001354895.2, NM_001354896.2 and 4 more transcripts); c.1011C>T, p.Leu337= (NM_001127511.3); c.1095C>T, p.Leu365= (NM_001354897.2, NM_001407446.1); c.990C>T, p.Leu330= (NM_001354898.2, NM_001407451.1); c.981C>T, p.Leu327= (NM_001354899.2, NM_001407452.1); c.888C>T, p.Leu296= (NM_001354900.2, NM_001354901.2, NM_001407453.1); c.216C>T, p.Leu72= (NM_001354906.2, NM_001407470.1); c.85-172C>T (NM_001407472.1, NM_001407471.1); and 5 more.
Identifiers: ClinVar variation 1781562 (VCV001781562.2), dbSNP rs2149780624, ClinGen allele CA445755818.

ClinVar aggregate classification (germline): Benign/Likely benign. Review status: criteria provided, multiple submitters, no conflicts (2 of 4 stars). 2 submissions from 2 submitters: Benign (1); Likely benign (1). Last evaluated 2024-02-29.

Conditions:
Hereditary cancer-predisposing syndrome. Also called: Neoplastic Syndromes, Hereditary; Tumor predisposition; Hereditary Cancer Syndrome; Hereditary neoplastic syndrome. Identifiers: Orphanet 140162, MedGen C0027672, MeSH D009386, MONDO:0015356.
Familial adenomatous polyposis 1 (FAP1). Also called: FAMILIAL ADENOMATOUS POLYPOSIS 1, ATTENUATED; POLYPOSIS, ADENOMATOUS INTESTINAL. Identifiers: MedGen C2713442, MONDO:0021056, OMIM 175100. Disease mechanism: loss of function.

Submissions (2):

Myriad Genetics, Inc.
Classification: Benign for Familial adenomatous polyposis 1. Last evaluated: 2024-02-29. Review status: criteria provided, single submitter. Criteria: Myriad Autosomal Dominant, Autosomal Recessive and X-Linked Classification Criteria (2023). Collection method: clinical testing. Allele origin: unknown.
Comment: This variant is considered benign. This variant is a silent/synonymous amino acid change and it is not expected to impact splicing.

Ambry Genetics
Classification: Likely benign for Hereditary cancer-predisposing syndrome. Last evaluated: 2021-10-02. Review status: criteria provided, single submitter. Criteria: Ambry Variant Classification Scheme 2023. Collection method: clinical testing. Allele origin: germline.